The following is an entry in ClinVar:

ClinVar aggregate classification (germline): Uncertain significance. Review status: criteria provided, multiple submitters, no conflicts (2 of 4 stars). 2 submissions from 2 submitters: Uncertain significance (2). Last evaluated 2026-08-22.

Conditions:
Inborn genetic diseases. Identifiers: MedGen C0950123, MeSH D030342.

Allele frequency attached by ClinVar (database versions not stated): TOPMed below 0.00001.

Submissions (2):

GeneDx
Classification: Uncertain significance. Last evaluated: 2026-08-22. Review status: criteria provided, single submitter. Criteria: GeneDx Variant Classification Process June 2021. Collection method: clinical testing. Allele origin: germline.
Comment: Not observed at significant frequency in large population cohorts (gnomAD); In silico analysis suggests that this missense variant does not alter protein structure/function; Has not been previously published as pathogenic or benign to our knowledge

Ambry Genetics
Classification: Uncertain significance for Inborn genetic diseases. Last evaluated: 2023-06-27. Review status: criteria provided, single submitter. Criteria: Ambry Variant Classification Scheme 2023. Collection method: clinical testing. Allele origin: germline.

NM_001080517.3(SETD5):c.1483G>A (p.Glu495Lys)

Gene: SETD5 (SET domain containing 5; plus strand). Cytogenetic location: 3p25.3.
Variant type: single nucleotide variant.
Coding change: c.1483G>A on transcript NM_001080517.3 (MANE Select); coding-DNA position 1483, G replaced by A.
Protein change: p.Glu495Lys; replaces glutamic acid 495 with lysine.
Molecular consequence: missense variant.
Genome position (GRCh38, 1-based): chr3:9,445,699, G>A. VCF-style: chr3-9445699-G-A. GRCh37 (hg19) VCF-style: chr3-9487383-G-A.
Other names: c.1189G>A, p.Glu397Lys (NM_001292043.2, NM_001349451.2); short protein forms E397K, E495K.
Identifiers: ClinVar variation 2606682 (VCV002606682.4), dbSNP rs2041854606, ClinGen allele CA351694115.
Genomic context (GRCh38, chr3:9,445,699, plus strand): 5'-ATTGCCTCTATCTTAAAGGAAGTAGACAATCCAGAAGAAAAACCAGAAGAAGAGAAAGAA[G>A]AGGTTATAGATGACCAGGAGAACCTAGCTCATAGCAGGAGGGTGAGTACTGTCTGACATT-3'
Protein context (NP_001073986.1, residues 485-505): PEEKPEEEKE[Glu495Lys]VIDDQENLAH